The following is an entry in ClinVar:

NM_004104.5(FASN):c.4122+4C>T

Gene: FASN (fatty acid synthase; minus strand). Cytogenetic location: 17q25.3.
Variant type: single nucleotide variant.
Coding change: c.4122+4C>T on transcript NM_004104.5 (MANE Select); 4 bases into the intron after coding-DNA position 4122, C replaced by T.
Molecular consequence: intron variant.
Genome position (GRCh38, 1-based): chr17:82,085,478, G>A on the plus strand (C>T on the coding strand, the complement: FASN is on the minus strand). VCF-style: chr17-82085478-G-A. GRCh37 (hg19) VCF-style: chr17-80043354-G-A.
Identifiers: ClinVar variation 1371918 (VCV001371918.6), dbSNP rs374704748, ClinGen allele CA8852205.

ClinVar aggregate classification (germline): Uncertain significance (1 of 4 stars; one submission).

Conditions:
Epileptic encephalopathy. Identifiers: MedGen C0543888, HP:0200134.

Allele frequency attached by ClinVar (database versions not stated): gnomAD 0.00001; gnomAD exomes 0.00002 and 0.00008; TOPMed 0.00003; ESP Exome Variant Server 0.00008; ExAC 0.00015.
gnomAD v4.1: 30 of 1,588,676 alleles (0.0019%); highest among the groups gnomAD compares: South Asian, 0.017%; 1 homozygote.

Submission:

Labcorp Genetics (formerly Invitae), Labcorp
Classification: Uncertain significance for Epileptic encephalopathy. Last evaluated: 2025-07-07. Review status: criteria provided, single submitter. Criteria: Invitae Variant Classification Sherloc (09022015). Collection method: clinical testing. Allele origin: germline.
Comment: This sequence change falls in intron 23 of the FASN gene. It does not directly change the encoded amino acid sequence of the FASN protein. It affects a nucleotide within the consensus splice site. The frequency data for this variant in the population databases is considered unreliable, as metrics indicate poor data quality at this position in the gnomAD database. This variant has not been reported in the literature in individuals affected with FASN-related conditions. ClinVar contains an entry for this variant (Variation ID: 1371918). Variants that disrupt the consensus splice site are a relatively common cause of aberrant splicing (PMID: 17576681, 9536098). Algorithms developed to predict the effect of sequence changes on RNA splicing suggest that this variant is not likely to affect RNA splicing. In summary, the available evidence is currently insufficient to determine the role of this variant in disease. Therefore, it has been classified as a Variant of Uncertain Significance.

Literature cited by the submitters: PubMed 17576681; PubMed 9536098.